The following is an entry in ClinVar:

NM_005359.6(SMAD4):c.896G>A (p.Gly299Glu)

Gene: SMAD4 (SMAD family member 4; plus strand). Cytogenetic location: 18q21.2.
Variant type: single nucleotide variant.
Coding change: c.896G>A on transcript NM_005359.6 (MANE Select); coding-DNA position 896, G replaced by A.
Protein change: p.Gly299Glu; replaces glycine 299 with glutamic acid.
Molecular consequence: missense variant. On other transcripts: non-coding transcript variant (2).
Genome position (GRCh38, 1-based): chr18:51,058,448, G>A. VCF-style: chr18-51058448-G-A. GRCh37 (hg19) VCF-style: chr18-48584818-G-A.
Other names: c.896G>A, p.Gly299Glu (NM_001407043.1, NM_001407041.1, NM_001407042.1); short protein forms G299E.
Identifiers: ClinVar variation 4803023 (VCV004803023.1).

ClinVar aggregate classification (germline): Uncertain significance (1 of 4 stars; one submission).

Conditions:
Juvenile polyposis syndrome (JPS). Identifiers: Orphanet 2929, MedGen C0345893, MONDO:0017380, OMIM 174900.

Submission:

Labcorp Genetics (formerly Invitae), Labcorp
Classification: Uncertain significance for Juvenile polyposis syndrome. Last evaluated: 2025-09-20. Review status: criteria provided, single submitter. Criteria: Invitae Variant Classification Sherloc (09022015). Collection method: clinical testing. Allele origin: germline.
Comment: This sequence change replaces glycine, which is neutral and non-polar, with glutamic acid, which is acidic and polar, at codon 299 of the SMAD4 protein (p.Gly299Glu). This variant is not present in population databases (gnomAD no frequency). This variant has not been reported in the literature in individuals affected with SMAD4-related conditions. Invitae Evidence Modeling of protein sequence and biophysical properties (such as structural, functional, and spatial information, amino acid conservation, physicochemical variation, residue mobility, and thermodynamic stability) has been performed for this missense variant. However, the output from this modeling did not meet the statistical confidence thresholds required to predict the impact of this variant on SMAD4 protein function. In summary, the available evidence is currently insufficient to determine the role of this variant in disease. Therefore, it has been classified as a Variant of Uncertain Significance.